The following is an entry in ClinVar:

ClinVar aggregate classification (germline): Benign/Likely benign. Review status: criteria provided, multiple submitters, no conflicts (2 of 4 stars). 8 submissions from 8 submitters: Benign (1); Likely benign (5). 2 of the submissions do not count toward it. Last evaluated 2026-02-03.

Conditions:
Hereditary cancer-predisposing syndrome. Also called: Neoplastic Syndromes, Hereditary; Hereditary neoplastic syndrome; Tumor predisposition; Hereditary Cancer Syndrome. Identifiers: Orphanet 140162, MedGen C0027672, MeSH D009386, MONDO:0015356.
Rhabdoid tumor predisposition syndrome 2 (RTPS2). Identifiers: Orphanet 231108, Orphanet 69077, MedGen C2750074, MONDO:0013224, OMIM 613325.

Submissions (8):

Labcorp Genetics (formerly Invitae), Labcorp
Classification: Likely benign for Rhabdoid tumor predisposition syndrome 2. Last evaluated: 2026-02-03. Review status: criteria provided, single submitter. Criteria: Invitae Variant Classification Sherloc (09022015). Collection method: clinical testing. Allele origin: germline.

Quest Diagnostics Nichols Institute San Juan Capistrano
Classification: Benign. Last evaluated: 2022-11-29. Review status: criteria provided, single submitter. Criteria: Quest Diagnostics criteria. Collection method: clinical testing. Allele origin: unknown.

GeneDx
Classification: Likely benign. Last evaluated: 2022-04-18. Review status: criteria provided, single submitter. Criteria: GeneDx Variant Classification Process June 2021. Collection method: clinical testing. Allele origin: germline. Affected: yes.
Comment: See Variant Classification Assertion Criteria.

Sema4
Classification: Likely benign for Hereditary cancer-predisposing syndrome. Last evaluated: 2021-11-22. Review status: criteria provided, single submitter. Criteria: Sema4 Curation Guidelines. Collection method: curation. Allele origin: germline.

Ambry Genetics
Classification: Likely benign for Hereditary cancer-predisposing syndrome. Last evaluated: 2018-05-31. Review status: criteria provided, single submitter. Criteria: Ambry Variant Classification Scheme 2023. Collection method: clinical testing. Allele origin: germline.

Genetic Services Laboratory, University of Chicago
Classification: Likely benign. Last evaluated: 2016-07-14. Review status: criteria provided, single submitter. Criteria: ACMG Guidelines, 2015. Collection method: clinical testing. Allele origin: germline. Affected: no.

ITMI
No classification provided. Condition: AllHighlyPenetrant. Last evaluated: 2013-09-19. Review status: no classification provided. Collection method: reference population. Allele origin: germline. Not counted in ClinVar's aggregate classification.
Comment: Please see associated publication for description of ethnicities

Department of Pathology and Laboratory Medicine, Sinai Health System
Classification: Uncertain significance. Review status: no assertion criteria provided. Collection method: clinical testing. Allele origin: unknown. Affected: yes. Study: The Canadian Open Genetics Repository (COGR). Not counted in ClinVar's aggregate classification.
Comment: The SMARCA4 p.Gly241_Pro244del variant was not identified in the literature nor was it identified in Cosmic or LOVD 3.0. The variant was identified in dbSNP (ID: rs568390760) and in ClinVar (classified as likely benign by Genetic Services Laboratory University of Chicago and Ambry Genetics and as VUS by Invitae). The variant was identified in control databases in 27 of 166304 chromosomes at a frequency of 0.000162 (Genome Aggregation Database Feb 27, 2017). The variant was found in the following populations: African in 22 of 15130 chromosomes (freq: 0.001454), Other in 2 of 5186 chromosomes (freq: 0.000386) and Latino in 3 of 25264 chromosomes (freq: 0.000119), while the variant was not observed in the Ashkenazi Jewish, East Asian, European (Finnish), European (non-Finnish) and South Asian populations. The variant occurs outside of the splicing consensus sequence and in silico or computational prediction software programs (SpliceSiteFinder, MaxEntScan, NNSPLICE, GeneSplicer) do not predict a difference in splicing. This variant is an in-frame deletion resulting in the removal of codons 241 to 244 in a proline-glycine repeat region, however the impact of this alteration on the SMARCA4 protein function is not known. In summary, based on the above information the clinical significance of this variant cannot be determined with certainty at this time. This variant is classified as a variant of uncertain significance.

Literature cited by the submitters: PubMed 34646395 (cited by Quest Diagnostics Nichols Institute San Juan Capistrano); PubMed 24728327 (cited by ITMI).

NM_003072.5(SMARCA4):c.722_733del (p.229GP[6])

Gene: SMARCA4 (SWI/SNF related BAF chromatin remodeling complex subunit ATPase 4; plus strand). Cytogenetic location: 19p13.2.
Variant type: Deletion.
Coding change: c.722_733del on transcript NM_003072.5 (MANE Select); coding-DNA positions 722 to 733, 12 bases deleted (GTCCCGGCCCGG).
Protein change: p.229GP[6].
Molecular consequence: inframe deletion. On other transcripts: non-coding transcript variant (1).
Genome position (GRCh38, 1-based): chr19:10,986,555-10,986,566, GTCCCGGCCCGG deleted; deleting any 12 consecutive bases within chr19:10,986,545-10,986,566 gives the same sequence; the c. name uses the placement nearest the transcript's 3' end. VCF-style (leftmost placement, unchanged base first): chr19-10986544-CCCCGGCCCGGGT-C. GRCh37 (hg19) VCF-style: chr19-11097220-CCCCGGCCCGGGT-C.
Other names: c.722_733del, p.229GP[6] (NM_001128844.3, NM_001128845.2, NM_001128846.2 and 5 more transcripts).
Identifiers: ClinVar variation 238517 (VCV000238517.26), dbSNP rs568390760, ClinGen allele CA162143.